The following is an entry in ClinVar:

NM_024496.4(IRF2BPL):c.1251dup (p.Lys418fs)

Gene: IRF2BPL (interferon regulatory factor 2 binding protein like; minus strand). Cytogenetic location: 14q24.3.
Variant type: Duplication.
Coding change: c.1251dup on transcript NM_024496.4 (MANE Select); coding-DNA position 1251, one base duplicated (G; older notation c.1251dupG).
Protein change: p.Lys418fs; shifts the reading frame from lysine 418.
Molecular consequence: frameshift variant.
Genome position (GRCh38, 1-based): chr14:77,026,542, C duplicated on the plus strand (G on the coding strand, the reverse complement: IRF2BPL is on the minus strand). VCF-style (leftmost placement, unchanged base first): chr14-77026541-T-TC. GRCh37 (hg19) VCF-style: chr14-77492884-T-TC.
Other names: c.1251dupG (NM_024496.3); short protein forms K418fs.
Identifiers: ClinVar variation 1207848 (VCV001207848.5), dbSNP rs2140377845, ClinGen allele CA2499222741.

ClinVar aggregate classification (germline): Likely pathogenic (1 of 4 stars; one submission).

Submission:

GeneDx
Classification: Likely pathogenic. Last evaluated: 2021-12-01. Review status: criteria provided, single submitter. Criteria: GeneDx Variant Classification Process June 2021. Collection method: clinical testing. Allele origin: germline. Affected: yes.
Comment: Frameshift variant predicted to result in protein truncation as the last 379 amino acids are lost and replaced with 4 different amino acids, and other loss-of-function variants have been reported downstream in the Human Gene Mutation Database (Stenson et al., 2014); Not observed at significant frequency in large population cohorts (Lek et al., 2016); Has not been previously published as pathogenic or benign to our knowledge